The following is an entry in ClinVar:

NC_000001.10:g.145505732_145513588del

Gene: RBM8A (RNA binding motif protein 8A; minus strand). Cytogenetic location: 1q21.1.
Variant type: Deletion.
Identifiers: ClinVar variation 1333010 (VCV001333010.2).

ClinVar aggregate classification (germline): Pathogenic (1 of 4 stars; one submission).

Conditions:
Radial aplasia-thrombocytopenia syndrome (TAR). Also called: TAR syndrome; Thrombocytopenia Absent Radius Syndrome. Identifiers: Orphanet 3320, MedGen C0175703, MeSH C536940, MONDO:0010121, OMIM 274000.

Submission:

ISTH-SSC Genomics in Thrombosis and Hemostasis, KU Leuven, Center for Molecular and Vascular Biology
Classification: Pathogenic for Radial aplasia-thrombocytopenia syndrome. Review status: criteria provided, single submitter. Criteria: ACMG Guidelines, 2015. Collection method: research. Allele origin: unknown. Inheritance: Autosomal recessive inheritance. Affected: yes.
Comment: Gold Variant submitter: Dr Karyn Megy, NIHR Bioresource - Cambridge University, UK

Literature cited by the submitters: PubMed 34355501.